The following is an entry in ClinVar:

ClinVar aggregate classification (germline): Likely benign. Review status: criteria provided, multiple submitters, no conflicts (2 of 4 stars). 3 submissions from 3 submitters: Likely benign (2). 1 of the submissions does not count toward it. Last evaluated 2024-11-27.

Conditions:
NLRP1-related disorder. Also called: NLRP1-related condition.

Submissions (3):

Blueprint Genetics
Classification: Likely benign. Last evaluated: 2024-11-27. Review status: criteria provided, single submitter. Criteria: ACMG Guidelines, 2015. Collection method: clinical testing. Allele origin: germline.

Labcorp Genetics (formerly Invitae), Labcorp
Classification: Likely benign. Last evaluated: 2024-11-12. Review status: criteria provided, single submitter. Criteria: Invitae Variant Classification Sherloc (09022015). Collection method: clinical testing. Allele origin: germline.

PreventionGenetics, part of Exact Sciences
Classification: Likely benign for NLRP1-related condition. Last evaluated: 2019-02-26. Review status: no assertion criteria provided. Collection method: clinical testing. Allele origin: germline. Not counted in ClinVar's aggregate classification.
Comment: This variant is classified as likely benign based on ACMG/AMP sequence variant interpretation guidelines (Richards et al. 2015 PMID: 25741868, with internal and published modifications).

NM_033004.4(NLRP1):c.1818G>A (p.Lys606=)

Gene: NLRP1 (NLR family pyrin domain containing 1; minus strand). Cytogenetic location: 17p13.2.
Variant type: single nucleotide variant.
Coding change: c.1818G>A on transcript NM_033004.4 (MANE Select); coding-DNA position 1818, G replaced by A.
Protein change: p.Lys606=; no amino-acid change (lysine 606 retained).
Molecular consequence: synonymous variant.
Genome position (GRCh38, 1-based): chr17:5,558,878, C>T on the plus strand (G>A on the coding strand, the complement: NLRP1 is on the minus strand). VCF-style: chr17-5558878-C-T. GRCh37 (hg19) VCF-style: chr17-5462198-C-T.
Other names: c.1818G>A, p.Lys606= (NM_001033053.3, NM_014922.5, NM_033006.4 and 1 more transcripts).
Identifiers: ClinVar variation 2983995 (VCV002983995.6), dbSNP rs777821860, ClinGen allele CA287268125.